The following is an entry in ClinVar:

ClinVar aggregate classification (germline): Uncertain significance. Review status: criteria provided, multiple submitters, no conflicts (2 of 4 stars). 2 submissions from 2 submitters: Uncertain significance (2). Last evaluated 2025-04-03.

Allele frequency attached by ClinVar (database versions not stated): ExAC 0.00002; gnomAD exomes 0.00002; TOPMed 0.00002; gnomAD 0.00003.
gnomAD v4.1: 35 of 1,599,794 alleles (0.0022%); highest among the groups gnomAD compares: Admixed American, 0.005%; no homozygotes.

Submissions (2):

Ambry Genetics
Classification: Uncertain significance. Last evaluated: 2025-04-03. Review status: criteria provided, single submitter. Criteria: Ambry Variant Classification Scheme 2023. Collection method: clinical testing. Allele origin: germline.

Labcorp Genetics (formerly Invitae), Labcorp
Classification: Uncertain significance. Last evaluated: 2025-01-07. Review status: criteria provided, single submitter. Criteria: Invitae Variant Classification Sherloc (09022015). Collection method: clinical testing. Allele origin: germline.
Comment: This sequence change replaces arginine, which is basic and polar, with cysteine, which is neutral and slightly polar, at codon 634 of the NIN protein (p.Arg634Cys). This variant is present in population databases (rs781559599, gnomAD 0.003%). This variant has not been reported in the literature in individuals affected with NIN-related conditions. ClinVar contains an entry for this variant (Variation ID: 2909861). An algorithm developed to predict the effect of missense changes on protein structure and function (PolyPhen-2) suggests that this variant is likely to be tolerated. In summary, the available evidence is currently insufficient to determine the role of this variant in disease. Therefore, it has been classified as a Variant of Uncertain Significance.

NM_020921.4(NIN):c.1900C>T (p.Arg634Cys)

Gene: NIN (ninein; minus strand). Cytogenetic location: 14q22.1.
Variant type: single nucleotide variant.
Coding change: c.1900C>T on transcript NM_020921.4 (MANE Select); coding-DNA position 1900, C replaced by T.
Protein change: p.Arg634Cys; replaces arginine 634 with cysteine.
Molecular consequence: missense variant.
Genome position (GRCh38, 1-based): chr14:50,760,356, G>A on the plus strand (C>T on the coding strand, the complement: NIN is on the minus strand). VCF-style: chr14-50760356-G-A. GRCh37 (hg19) VCF-style: chr14-51227074-G-A.
Other names: c.1900C>T (NM_020921.3); c.1900C>T, p.Arg634Cys (NM_016350.5, NM_182944.3, NM_182946.2); short protein forms R634C.
Identifiers: ClinVar variation 2909861 (VCV002909861.4), dbSNP rs781559599, ClinGen allele CA7182039.